The following is an entry in ClinVar:

ClinVar aggregate classification (germline): Uncertain significance (1 of 4 stars; one submission).

gnomAD v4.1: 3 of 1,614,084 alleles (0.00019%); highest among the groups gnomAD compares: Non-Finnish European, 0.00025%; no homozygotes.

Submission:

Ambry Genetics
Classification: Uncertain significance. Last evaluated: 2025-09-12. Review status: criteria provided, single submitter. Criteria: Ambry Variant Classification Scheme 2023. Collection method: clinical testing. Allele origin: germline.
Comment: The p.Q436R variant (also known as c.1307A>G), located in coding exon 9 of the RINT1 gene, results from an A to G substitution at nucleotide position 1307. The glutamine at codon 436 is replaced by arginine, an amino acid with highly similar properties. This amino acid position is conserved. In addition, the in silico prediction for this alteration is inconclusive. Based on the available evidence, the clinical significance of this variant remains unclear.

NM_021930.6(RINT1):c.1307A>G (p.Gln436Arg)

Gene: RINT1 (RAD50 interactor 1; plus strand). Cytogenetic location: 7q22.3.
Variant type: single nucleotide variant.
Coding change: c.1307A>G on transcript NM_021930.6 (MANE Select); coding-DNA position 1307, A replaced by G.
Protein change: p.Gln436Arg; replaces glutamine 436 with arginine.
Molecular consequence: missense variant. On other transcripts: non-coding transcript variant (1).
Genome position (GRCh38, 1-based): chr7:105,550,460, A>G. VCF-style: chr7-105550460-A-G. GRCh37 (hg19) VCF-style: chr7-105190907-A-G.
Other names: c.1073A>G, p.Gln358Arg (NM_001346599.2); c.284A>G, p.Gln95Arg (NM_001346600.2, NM_001346603.2); c.383A>G, p.Gln128Arg (NM_001346601.2); short protein forms Q128R, Q358R, Q95R, Q436R.
Identifiers: ClinVar variation 4154583 (VCV004154583.1).
Genomic context (GRCh38, chr7:105,550,460, plus strand): 5'-ATGGCTATCCTGGCACTTTTGCTAGTTGTATGCATATTCTATCAGAGGAAACCTGTTTTC[A>G]GAGATGGTTGACGGTGGAGAGAAAATGTAAGTGCTGATGTGGCCAGATGGTAGGGAGATA-3'
Protein context (NP_068749.3, residues 426-446): MHILSEETCF[Gln436Arg]RWLTVERKFA